The following is an entry in ClinVar:

ClinVar aggregate classification (germline): Uncertain significance (1 of 4 stars; one submission).

Submission:

Labcorp Genetics (formerly Invitae), Labcorp
Classification: Uncertain significance. Last evaluated: 2022-03-28. Review status: criteria provided, single submitter. Criteria: Invitae Variant Classification Sherloc (09022015). Collection method: clinical testing. Allele origin: germline.
Comment: This variant has not been reported in the literature in individuals affected with PCARE-related conditions. This sequence change replaces isoleucine, which is neutral and non-polar, with lysine, which is basic and polar, at codon 796 of the PCARE protein (p.Ile796Lys). This variant is not present in population databases (gnomAD no frequency). Algorithms developed to predict the effect of missense changes on protein structure and function (SIFT, PolyPhen-2, Align-GVGD) all suggest that this variant is likely to be tolerated. In summary, the available evidence is currently insufficient to determine the role of this variant in disease. Therefore, it has been classified as a Variant of Uncertain Significance.

NM_001029883.3(PCARE):c.2387T>A (p.Ile796Lys)

Gene: PCARE (photoreceptor cilium actin regulator; minus strand). Cytogenetic location: 2p23.2.
Variant type: single nucleotide variant.
Coding change: c.2387T>A on transcript NM_001029883.3 (MANE Select); coding-DNA position 2387, T replaced by A.
Protein change: p.Ile796Lys; replaces isoleucine 796 with lysine.
Molecular consequence: missense variant.
Genome position (GRCh38, 1-based): chr2:29,071,875, A>T on the plus strand (T>A on the coding strand, the complement: PCARE is on the minus strand). VCF-style: chr2-29071875-A-T. GRCh37 (hg19) VCF-style: chr2-29294741-A-T.
Other names: short protein forms I796K.
Identifiers: ClinVar variation 2119000 (VCV002119000.4), dbSNP rs1249542374, ClinGen allele CA346477647.
Genomic context (GRCh38, chr2:29,071,875, plus strand): 5'-CTCTTGGCTGCTTCTGCTTTAGGCAGAGGGGGAAAGATAGGTGCTAAGGGCTTCCAGCCT[A>T]TGCCCATTTTGAGAGATTCTCTGCCTGATGCTGGAGAAATTTGGGGCTTCGGATACAAAG-3'
Protein context (NP_001025054.1, residues 786-806): ASGRESLKMG[Ile796Lys]GWKPLAPIFP